The following is an entry in ClinVar:

NM_054027.6(ANKH):c.1292G>A (p.Gly431Asp)

Genes: ANKH (ANKH inorganic pyrophosphate transport regulator; minus strand), OTULIN (OTU deubiquitinase with linear linkage specificity; plus strand), LOC100130744 (uncharacterized LOC100130744; plus strand). Cytogenetic location: 5p15.2.
Variant type: single nucleotide variant.
Coding change: c.1292G>A on transcript NM_054027.6 (MANE Select); coding-DNA position 1292, G replaced by A.
Protein change: p.Gly431Asp; replaces glycine 431 with aspartic acid.
Molecular consequence: missense variant. On other transcripts: non-coding transcript variant (1).
Genome position (GRCh38, 1-based): chr5:14,712,947, C>T on the plus strand (G>A on the coding strand, the complement: ANKH is on the minus strand). VCF-style: chr5-14712947-C-T. GRCh37 (hg19) VCF-style: chr5-14713056-C-T.
Other names: short protein forms G431D.
Identifiers: ClinVar variation 3343714 (VCV003343714.1).

ClinVar aggregate classification (germline): Uncertain significance (1 of 4 stars; one submission).

gnomAD v4.1: 1 of 1,613,448 alleles (0.000062%); highest among the groups gnomAD compares: Admixed American, 0.0017%; no homozygotes.

Submission:

GeneDx
Classification: Uncertain significance. Last evaluated: 2023-10-17. Review status: criteria provided, single submitter. Criteria: GeneDx Variant Classification Process June 2021. Collection method: clinical testing. Allele origin: germline. Affected: yes.
Comment: In silico analysis supports that this missense variant does not alter protein structure/function; Has not been previously published as pathogenic or benign to our knowledge